The following is an entry in ClinVar:

NM_015102.5(NPHP4):c.3901C>T (p.Arg1301Cys)

Gene: NPHP4 (nephrocystin 4; minus strand). Cytogenetic location: 1p36.31.
Variant type: single nucleotide variant.
Coding change: c.3901C>T on transcript NM_015102.5 (MANE Select); coding-DNA position 3901, C replaced by T.
Protein change: p.Arg1301Cys; replaces arginine 1301 with cysteine.
Molecular consequence: missense variant. On other transcripts: non-coding transcript variant (1).
Genome position (GRCh38, 1-based): chr1:5,864,433, G>A on the plus strand (C>T on the coding strand, the complement: NPHP4 is on the minus strand). VCF-style: chr1-5864433-G-A. GRCh37 (hg19) VCF-style: chr1-5924493-G-A.
Other names: c.2362C>T, p.Arg788Cys (NM_001291593.2); c.2365C>T, p.Arg789Cys (NM_001291594.2); c.3901C>T (NM_015102.3); short protein forms R788C, R1301C, R789C.
Identifiers: ClinVar variation 1500794 (VCV001500794.8), dbSNP rs766610686, ClinGen allele CA553421.

ClinVar aggregate classification (germline): Uncertain significance. Review status: criteria provided, multiple submitters, no conflicts (2 of 4 stars). 3 submissions from 3 submitters: Uncertain significance (3). Last evaluated 2025-09-02.

Conditions:
Inborn genetic diseases. Identifiers: MedGen C0950123, MeSH D030342.
Nephronophthisis. Also called: Juvenile Nephronophthisis. Identifiers: Orphanet 655, MedGen C0687120, MONDO:0019005, HP:0000090.

Allele frequency attached by ClinVar (database versions not stated): ExAC 0.00002; TOPMed 0.00002; gnomAD exomes 0.00004 and 0.00003; gnomAD 0.00004.
gnomAD v4.1: 60 of 1,609,498 alleles (0.0037%); highest among the groups gnomAD compares: Non-Finnish European, 0.0043%; no homozygotes.

Submissions (3):

Labcorp Genetics (formerly Invitae), Labcorp
Classification: Uncertain significance for Nephronophthisis. Last evaluated: 2025-09-02. Review status: criteria provided, single submitter. Criteria: Invitae Variant Classification Sherloc (09022015). Collection method: clinical testing. Allele origin: germline.
Comment: This sequence change replaces arginine, which is basic and polar, with cysteine, which is neutral and slightly polar, at codon 1301 of the NPHP4 protein (p.Arg1301Cys). This variant is present in population databases (rs766610686, gnomAD 0.01%). This variant has not been reported in the literature in individuals affected with NPHP4-related conditions. ClinVar contains an entry for this variant (Variation ID: 1500794). Invitae Evidence Modeling of protein sequence and biophysical properties (such as structural, functional, and spatial information, amino acid conservation, physicochemical variation, residue mobility, and thermodynamic stability) indicates that this missense variant is expected to disrupt NPHP4 protein function with a positive predictive value of 80%. In summary, the available evidence is currently insufficient to determine the role of this variant in disease. Therefore, it has been classified as a Variant of Uncertain Significance.

Blueprint Genetics
Classification: Uncertain significance. Last evaluated: 2024-06-07. Review status: criteria provided, single submitter. Criteria: ACMG Guidelines, 2015. Collection method: clinical testing. Allele origin: germline.

Ambry Genetics
Classification: Uncertain significance for Inborn genetic diseases. Last evaluated: 2022-02-11. Review status: criteria provided, single submitter. Criteria: Ambry Variant Classification Scheme 2023. Collection method: clinical testing. Allele origin: germline.